The following is an entry in ClinVar:

NM_172351.3(CD46):c.224C>T (p.Ala75Val)

Gene: CD46 (CD46 molecule; plus strand). Cytogenetic location: 1q32.2.
Variant type: single nucleotide variant.
Coding change: c.224C>T on transcript NM_172351.3 (MANE Select); coding-DNA position 224, C replaced by T.
Protein change: p.Ala75Val; replaces alanine 75 with valine.
Molecular consequence: missense variant.
Genome position (GRCh38, 1-based): chr1:207,757,140, C>T. VCF-style: chr1-207757140-C-T. GRCh37 (hg19) VCF-style: chr1-207930485-C-T.
Other names: c.224C>T, p.Ala75Val (NM_002389.4, NM_153826.4, NM_172350.3 and 8 more transcripts); short protein forms A75V.
Identifiers: ClinVar variation 2885458 (VCV002885458.4), dbSNP rs768538372, ClinGen allele CA1371559.
Genomic context (GRCh38, chr1:207,757,140, plus strand): 5'-AGATTGGTGAACGAGTAGATTATAAGTGTAAAAAAGGATACTTCTATATACCTCCTCTTG[C>T]CACCCATACTATTTGTGATCGGAATCATACATGGCTACCTGTCTCAGATGACGCCTGTTA-3'
Protein context (NP_758861.1, residues 65-85): KKGYFYIPPL[Ala75Val]THTICDRNHT

ClinVar aggregate classification (germline): Uncertain significance. Review status: criteria provided, multiple submitters, no conflicts (2 of 4 stars). 2 submissions from 2 submitters: Uncertain significance (2). Last evaluated 2025-05-14.

Allele frequency attached by ClinVar (database versions not stated): gnomAD 0.00001; ExAC 0.00002; TOPMed 0.00003.
gnomAD v4.1: 3 of 1,613,684 alleles (0.00019%); highest among the groups gnomAD compares: Admixed American, 0.0017%; no homozygotes.

Submissions (2):

Ambry Genetics
Classification: Uncertain significance. Last evaluated: 2025-05-14. Review status: criteria provided, single submitter. Criteria: Ambry Variant Classification Scheme 2023. Collection method: clinical testing. Allele origin: germline.

Labcorp Genetics (formerly Invitae), Labcorp
Classification: Uncertain significance. Last evaluated: 2023-09-23. Review status: criteria provided, single submitter. Criteria: Invitae Variant Classification Sherloc (09022015). Collection method: clinical testing. Allele origin: germline.
Comment: This variant has not been reported in the literature in individuals affected with CD46-related conditions. This variant is present in population databases (rs768538372, gnomAD 0.002%). This sequence change replaces alanine, which is neutral and non-polar, with valine, which is neutral and non-polar, at codon 75 of the CD46 protein (p.Ala75Val). An algorithm developed to predict the effect of missense changes on protein structure and function (PolyPhen-2) suggests that this variant is likely to be tolerated. In summary, the available evidence is currently insufficient to determine the role of this variant in disease. Therefore, it has been classified as a Variant of Uncertain Significance.